The following is an entry in ClinVar:

ClinVar aggregate classification (germline): Uncertain significance. Review status: criteria provided, multiple submitters, no conflicts (2 of 4 stars). 3 submissions from 3 submitters: Uncertain significance (3). Last evaluated 2025-08-26.

Conditions:
Methylmalonic acidemia with homocystinuria, type cblJ (MAHCJ). Also called: METHYLMALONIC ACIDURIA AND HOMOCYSTINURIA, cblJ TYPE. Identifiers: Orphanet 369955, MedGen C3553915, MONDO:0013925, OMIM 614857.
Inborn genetic diseases. Identifiers: MedGen C0950123, MeSH D030342.

Allele frequency attached by ClinVar (database versions not stated): gnomAD 0.00003 and 0.00004; gnomAD exomes 0.00003 and 0.00007; TOPMed 0.00004; ExAC 0.00006; ESP Exome Variant Server 0.00008.

Submissions (3):

Ambry Genetics
Classification: Uncertain significance for Inborn genetic diseases. Last evaluated: 2025-08-26. Review status: criteria provided, single submitter. Criteria: Ambry Variant Classification Scheme 2023. Collection method: clinical testing. Allele origin: germline.

Labcorp Genetics (formerly Invitae), Labcorp
Classification: Uncertain significance for Methylmalonic acidemia with homocystinuria, type cblJ. Last evaluated: 2022-10-14. Review status: criteria provided, single submitter. Criteria: Invitae Variant Classification Sherloc (09022015). Collection method: clinical testing. Allele origin: germline.
Comment: This sequence change replaces glutamic acid, which is acidic and polar, with lysine, which is basic and polar, at codon 413 of the ABCD4 protein (p.Glu413Lys). This variant is present in population databases (rs374984401, gnomAD 0.02%). This variant has not been reported in the literature in individuals affected with ABCD4-related conditions. ClinVar contains an entry for this variant (Variation ID: 285659). Advanced modeling of protein sequence and biophysical properties (such as structural, functional, and spatial information, amino acid conservation, physicochemical variation, residue mobility, and thermodynamic stability) performed at Invitae indicates that this missense variant is not expected to disrupt ABCD4 protein function. In summary, the available evidence is currently insufficient to determine the role of this variant in disease. Therefore, it has been classified as a Variant of Uncertain Significance.

Eurofins Ntd Llc (ga)
Classification: Uncertain significance. Last evaluated: 2016-01-06. Review status: criteria provided, single submitter. Criteria: EGL Classification Definitions 2015. Collection method: clinical testing. Allele origin: germline. Observed: 3 variant alleles, 3 heterozygotes.

NM_005050.4(ABCD4):c.1237G>A (p.Glu413Lys)

Gene: ABCD4 (ATP binding cassette subfamily D member 4; minus strand). Cytogenetic location: 14q24.3.
Variant type: single nucleotide variant.
Coding change: c.1237G>A on transcript NM_005050.4 (MANE Select); coding-DNA position 1237, G replaced by A.
Protein change: p.Glu413Lys; replaces glutamic acid 413 with lysine.
Molecular consequence: missense variant. On other transcripts: non-coding transcript variant (10).
Genome position (GRCh38, 1-based): chr14:74,290,381, C>T on the plus strand (G>A on the coding strand, the complement: ABCD4 is on the minus strand). VCF-style: chr14-74290381-C-T. GRCh37 (hg19) VCF-style: chr14-74757084-C-T.
Other names: c.1111G>A, p.Glu371Lys (NM_001353591.2, NM_001353592.2); c.976G>A, p.Glu326Lys (NM_001353593.2); c.925G>A, p.Glu309Lys (NM_001353594.2); c.823G>A, p.Glu275Lys (NM_001353595.2, NM_001353596.2); c.772G>A, p.Glu258Lys (NM_001353597.2); c.760G>A, p.Glu254Lys (NM_001353598.2, NM_001353599.2, NM_001353600.2 and 2 more transcripts); c.448G>A, p.Glu150Lys (NM_001353602.2, NM_001353603.2, NM_001353604.2 and 6 more transcripts); c.1237G>A, p.Glu413Lys (NM_020325.3); and 1 more; short protein forms E413K, E150K, E371K, E258K, E326K, E309K, E254K, E275K.
Identifiers: ClinVar variation 285659 (VCV000285659.9), dbSNP rs374984401, ClinGen allele CA7266881.